The following is an entry in ClinVar:

ClinVar aggregate classification (germline): Likely pathogenic (1 of 4 stars; one submission).

Conditions:
Dilated cardiomyopathy 1G (CMD1G). Identifiers: Orphanet 154, MedGen C1858763, MONDO:0011400, OMIM 604145.
Autosomal recessive limb-girdle muscular dystrophy type 2J (LGMDR10). Also called: Limb-girdle muscular dystrophy, type 2J; MUSCULAR DYSTROPHY, LIMB-GIRDLE, AUTOSOMAL RECESSIVE 10. Identifiers: Orphanet 140922, MedGen C1837342, MONDO:0012127, OMIM 608807.

Submission:

Labcorp Genetics (formerly Invitae), Labcorp
Classification: Likely pathogenic for Dilated cardiomyopathy 1G; Autosomal recessive limb-girdle muscular dystrophy type 2J. Last evaluated: 2024-05-11. Review status: criteria provided, single submitter. Criteria: Invitae Variant Classification Sherloc (09022015). Collection method: clinical testing. Allele origin: germline.
Comment: This sequence change creates a premature translational stop signal (p.Leu6115*) in the TTN gene. While this is not anticipated to result in nonsense mediated decay, it is expected to create a truncated TTN protein. This variant is not present in population databases (gnomAD no frequency). This variant has not been reported in the literature in individuals affected with TTN-related conditions. This variant is located in the I band of TTN (PMID: 25589632). Truncating variants in this region have been reported in individuals affected with autosomal recessive centronuclear myopathy (PMID: 23975875, Invitae internal data). Truncating variants in this region have also been identified in individuals affected with autosomal dominant dilated cardiomyopathy and/or cardio-related conditions (PMID: 27869827, 32964742, Invitae internal data). In summary, the currently available evidence indicates that the variant is pathogenic, but additional data are needed to prove that conclusively. Therefore, this variant has been classified as Likely Pathogenic.

Literature cited by the submitters: PubMed 25589632; PubMed 23975875; PubMed 27869827; PubMed 32964742.

NM_001267550.2(TTN):c.18344T>G (p.Leu6115Ter)

Genes: TTN (titin; minus strand), LOC126806430 (BRD4-independent group 4 enhancer GRCh37_chr2:179593794-179594993; plus strand). Cytogenetic location: 2q31.2.
Variant type: single nucleotide variant.
Coding change: c.18344T>G on transcript NM_001267550.2 (MANE Select); coding-DNA position 18344, T replaced by G.
Protein change: p.Leu6115Ter; replaces leucine 6115 with a stop codon.
Molecular consequence: nonsense. On other transcripts: intron variant (3).
Genome position (GRCh38, 1-based): chr2:178,729,909, A>C on the plus strand (T>G on the coding strand, the complement: TTN is on the minus strand). VCF-style: chr2-178729909-A-C. GRCh37 (hg19) VCF-style: chr2-179594636-A-C.
Other names: c.17393T>G, p.Leu5798Ter (NM_001256850.1); c.14612T>G, p.Leu4871Ter (NM_133378.4); c.13282+8173T>G (NM_003319.4); c.13858+8173T>G (NM_133437.4); c.13657+8173T>G (NM_133432.3); short protein forms L4871*, L5798*, L6115*.
Identifiers: ClinVar variation 3756299 (VCV003756299.2).